The following is an entry in ClinVar:

ClinVar aggregate classification (germline): Benign/Likely benign. Review status: criteria provided, multiple submitters, no conflicts (2 of 4 stars). 2 submissions from 2 submitters: Benign (1); Likely benign (1). Last evaluated 2025-07-25.

Submissions (2):

Mayo Clinic Laboratories, Mayo Clinic
Classification: Likely benign. Last evaluated: 2025-07-25. Review status: criteria provided, single submitter. Criteria: ACMG Guidelines, 2015. Collection method: clinical testing. Allele origin: germline. Observed: 2 variant alleles.
Comment: BP3, BP4

Labcorp Genetics (formerly Invitae), Labcorp
Classification: Benign. Last evaluated: 2025-01-20. Review status: criteria provided, single submitter. Criteria: Invitae Variant Classification Sherloc (09022015). Collection method: clinical testing. Allele origin: germline.

NM_001378457.1(DMXL2):c.88-4_88-3del

Gene: DMXL2 (Dmx like 2; minus strand). Cytogenetic location: 15q21.2.
Variant type: Deletion.
Coding change: c.88-4_88-3del on transcript NM_001378457.1 (MANE Select); 4 bases into the intron before coding-DNA position 88 through 3 bases into the intron before coding-DNA position 88, 2 bases deleted (TT; older notation c.88-4_88-3delTT).
Molecular consequence: intron variant.
Genome position (GRCh38, 1-based): chr15:51,576,184-51,576,185, AA deleted on the plus strand (TT on the coding strand, the reverse complement: DMXL2 is on the minus strand); deleting any 2 consecutive bases within chr15:51,576,184-51,576,203 gives the same sequence; the c. name uses the placement nearest the transcript's 3' end. VCF-style (leftmost placement, unchanged base first): chr15-51576183-TAA-T. GRCh37 (hg19) VCF-style: chr15-51868380-TAA-T.
Other names: p.?; c.88-4_88-3del (NM_001174116.2, NM_001378460.1, NM_001174117.3 and 8 more transcripts).
Identifiers: ClinVar variation 2808765 (VCV002808765.4), dbSNP rs3078066, ClinGen allele CA7562934.
Genomic context (GRCh38, chr15:51,576,183, plus strand): 5'-ATCTGTACACATTCAAAGTCATTTGCCAAAATAACAATATCACAGCCTGATCCATATGCC[TAA>T]AAAAAAAAAAAAAAAAAAGTTTTACAATACATAAGATATGTAACTTTTGAAATCTTATTA-3'